The following is an entry in ClinVar:

NM_152564.5(VPS13B):c.2881T>C (p.Tyr961His)

Gene: VPS13B (vacuolar protein sorting 13 homolog B; plus strand). Cytogenetic location: 8q22.2.
Variant type: single nucleotide variant.
Coding change: c.2881T>C on transcript NM_152564.5 (MANE Select); coding-DNA position 2881, T replaced by C.
Protein change: p.Tyr961His; replaces tyrosine 961 with histidine.
Molecular consequence: missense variant.
Genome position (GRCh38, 1-based): chr8:99,384,264, T>C. VCF-style: chr8-99384264-T-C. GRCh37 (hg19) VCF-style: chr8-100396492-T-C.
Other names: c.2881T>C, p.Tyr961His (NM_017890.5); short protein forms Y961H.
Identifiers: ClinVar variation 1377733 (VCV001377733.5), dbSNP rs1563700103, ClinGen allele CA371864787.
Genomic context (GRCh38, chr8:99,384,264, plus strand): 5'-TTAGGTGCTGTACTTCTTTGCAGTATACAAGGACTAGCAGTTAATATTGACCCAATCTTA[T>C]ATACGTGGCTCATCTATCAGCCTCAGAAACGAACAAGTAGACATATGCAACAGGTAAGAG-3'
Protein context (NP_689777.3, residues 951-971): GLAVNIDPIL[Tyr961His]TWLIYQPQKR

ClinVar aggregate classification (germline): Uncertain significance (1 of 4 stars; one submission).

Conditions:
Cohen syndrome (COH1). Also called: Cutis verticis gyrata, retinitis pigmentosa, and sensorineural deafness; PEPPER SYNDROME. Identifiers: Orphanet 193, MedGen C0265223, MONDO:0008999, OMIM 216550.

Allele frequency attached by ClinVar (database versions not stated): gnomAD exomes below 0.00001; gnomAD 0.00001; TOPMed 0.00001.
gnomAD v4.1: 3 of 1,613,892 alleles (0.00019%); highest among the groups gnomAD compares: Admixed American, 0.0033%; no homozygotes.

Submission:

Labcorp Genetics (formerly Invitae), Labcorp
Classification: Uncertain significance for Cohen syndrome. Last evaluated: 2021-09-17. Review status: criteria provided, single submitter. Criteria: Invitae Variant Classification Sherloc (09022015). Collection method: clinical testing. Allele origin: germline.
Comment: This sequence change replaces tyrosine with histidine at codon 961 of the VPS13B protein (p.Tyr961His). The tyrosine residue is moderately conserved and there is a moderate physicochemical difference between tyrosine and histidine. This variant is not present in population databases (ExAC no frequency). This variant has not been reported in the literature in individuals affected with VPS13B-related conditions. Algorithms developed to predict the effect of missense changes on protein structure and function are either unavailable or do not agree on the potential impact of this missense change (SIFT: "Not Available"; PolyPhen-2: "Probably Damaging"; Align-GVGD: "Not Available"). In summary, the available evidence is currently insufficient to determine the role of this variant in disease. Therefore, it has been classified as a Variant of Uncertain Significance.